The following is an entry in ClinVar:

ClinVar aggregate classification (germline): Benign (1 of 4 stars; one submission).

Allele frequency attached by ClinVar (database versions not stated): gnomAD exomes 0.44898; gnomAD 0.54557 and 0.54632; TOPMed 0.56200; 1000 Genomes Project 0.62999; 1000 Genomes Project 30x 0.63273.
gnomAD v4.1: 125,867 of 247,726 alleles (51%); highest among the groups gnomAD compares: African/African-American, 82%; 35,706 homozygotes.

Submission:

GeneDx
Classification: Benign. Last evaluated: 2018-06-14. Review status: criteria provided, single submitter. Criteria: GeneDx Variant Classification (06012015). Collection method: clinical testing. Allele origin: germline. Affected: yes.
Comment: This variant is considered likely benign or benign based on one or more of the following criteria: it is a conservative change, it occurs at a poorly conserved position in the protein, it is predicted to be benign by multiple in silico algorithms, and/or has population frequency not consistent with disease.

NM_017909.4(RMND1):c.1200+283T>C

Gene: RMND1 (required for meiotic nuclear division 1 homolog; minus strand). Cytogenetic location: 6q25.1.
Variant type: single nucleotide variant.
Coding change: c.1200+283T>C on transcript NM_017909.4 (MANE Select); 283 bases into the intron after coding-DNA position 1200, T replaced by C.
Molecular consequence: intron variant.
Genome position (GRCh38, 1-based): chr6:151,416,996, A>G on the plus strand (T>C on the coding strand, the complement: RMND1 is on the minus strand). VCF-style: chr6-151416996-A-G. GRCh37 (hg19) VCF-style: chr6-151738131-A-G.
Other names: c.690+283T>C (NM_001271937.2).
Identifiers: ClinVar variation 683666 (VCV000683666.1), dbSNP rs3778608, ClinGen allele CA15442217.